The following is an entry in ClinVar:

ClinVar aggregate classification (germline): Likely pathogenic (1 of 4 stars; one submission).

Conditions:
Nicolaides-Baraitser syndrome (NCBRS). Also called: Intellectual disability-sparse hair-brachydactyly syndrome; SMARCA2-Related Nicolaides-Baraitser Syndrome. Identifiers: Orphanet 3051, MedGen C1303073, MONDO:0011053, OMIM 601358.

Submission:

3billion
Classification: Likely pathogenic for Nicolaides-Baraitser syndrome. Last evaluated: 2024-02-22. Review status: criteria provided, single submitter. Criteria: ACMG Guidelines, 2015. Collection method: clinical testing. Allele origin: germline. Affected: yes.
Comment: The variant is not observed in the gnomAD v2.1.1 dataset. Predicted Consequence/Location: The variant is located in a mutational hot spot and/or well-established functional domain in which established pathogenic variants have been reported. Missense changes are a common disease-causing mechanism. In silico tool predictions suggest damaging effect of the variant on gene or gene product [REVEL: 0.73 (>=0.6, sensitivity 0.68 and specificity 0.92); 3Cnet: 0.72 (>=0.6, sensitivity 0.72 and precision 0.9)]. A different missense change at the same codon (p.His1161Arg) has been reported to be associated with SMARCA2 related disorder (ClinVar ID: VCV000217001 /PMID: 25326637). Therefore, this variant is classified as Likely pathogenic according to the recommendation of ACMG/AMP guideline.

Literature cited by the submitters: PubMed 25326637.

NM_003070.5(SMARCA2):c.3483C>G (p.His1161Gln)

Gene: SMARCA2 (SWI/SNF related BAF chromatin remodeling complex subunit ATPase 2; plus strand). Cytogenetic location: 9p24.3.
Variant type: single nucleotide variant.
Coding change: c.3483C>G on transcript NM_003070.5 (MANE Select); coding-DNA position 3483, C replaced by G.
Protein change: p.His1161Gln; replaces histidine 1161 with glutamine.
Molecular consequence: missense variant.
Genome position (GRCh38, 1-based): chr9:2,115,848, C>G. VCF-style: chr9-2115848-C-G. GRCh37 (hg19) VCF-style: chr9-2115848-C-G.
Other names: c.3483C>G, p.His1161Gln (NM_001289396.2, NM_139045.4); c.3309C>G, p.His1103Gln (NM_001289397.2); short protein forms H1103Q, H1161Q.
Identifiers: ClinVar variation 3775603 (VCV003775603.1).
Genomic context (GRCh38, chr9:2,115,848, plus strand): 5'-CTCAGTCCTCATAGCATATTGACCCCCCAAACAGGATCTGCAGGCCCAAGACCGAGCTCA[C>G]CGCATCGGGCAGCAGAACGAGGTCCGGGTACTGAGGCTCTGTACCGTGAACAGCGTGGAG-3'
Protein context (NP_003061.3, residues 1151-1171): HQDLQAQDRA[His1161Gln]RIGQQNEVRV